The following is an entry in ClinVar:

ClinVar aggregate classification (germline): Benign (1 of 4 stars; one submission).

Conditions:
MELAS syndrome (MELAS). Also called: Juvenile myopathy, encephalopathy, lactic acidosis, stroke. Identifiers: Orphanet 550, MedGen C0162671, MONDO:0010789, OMIM 540000.

Submission:

Wong Mito Lab, Molecular and Human Genetics, Baylor College of Medicine
Classification: Benign for MELAS syndrome. Last evaluated: 2019-07-12. Review status: criteria provided, single submitter. Criteria: Modified ACMG Guidelines (Unpublished). Collection method: clinical testing. Allele origin: germline.
Comment: The NC_012920.1:m.4395A>G variant in MT-TQ gene is interpreted to be a Benign variant based on the modified ACMG guidelines (unpublished). This variant meets the following evidence codes reported in the guidelines: BS1, BS4, BP4

Literature cited by the submitters: PubMed 31965079.

NC_012920.1(MT-TQ):m.4395A>G

Gene: MT-TQ (mitochondrially encoded tRNA glutamine; minus strand).
Variant type: single nucleotide variant.
Genome position: chrM-4395-A-G.
Identifiers: ClinVar variation 689906 (VCV000689906.1), dbSNP rs1603219443, ClinGen allele CA913177998.